The following is an entry in ClinVar:

ClinVar aggregate classification (germline): Conflicting classifications of pathogenicity. Review status: criteria provided, conflicting classifications (1 of 4 stars). 3 submissions from 3 submitters: Uncertain significance (1); Likely benign (2). Last evaluated 2022-08-06.

Submissions (3):

Women's Health and Genetics/Laboratory Corporation of America, LabCorp
Classification: Uncertain significance. Last evaluated: 2022-08-06. Review status: criteria provided, single submitter. Criteria: LabCorp Variant Classification Summary - May 2015. Collection method: clinical testing. Allele origin: germline.
Comment: Variant summary: TTR c.*12_*14delTCC is located in the untranslated mRNA region downstream of the termination codon. The variant was absent in 251416 control chromosomes (gnomAD). The available data on variant occurrences in the general population are insufficient to allow any conclusion about variant significance. To our knowledge, no occurrence of c.*12_*14delTCC in individuals affected with Transthyretin Amyloidosis and no experimental evidence demonstrating its impact on protein function have been reported. Two clinical diagnostic laboratories have submitted clinical-significance assessments for this variant to ClinVar after 2014and classified the variant as likely benign. Based on the evidence outlined above, the variant was classified as uncertain significance.

CeGaT Center for Human Genetics Tuebingen
Classification: Likely benign. Last evaluated: 2021-09-01. Review status: criteria provided, single submitter. Criteria: CeGaT Center For Human Genetics Tuebingen Variant Classification Criteria Version 2. Collection method: clinical testing. Allele origin: germline. Affected: yes. Observed: 1 variant allele.

GeneDx
Classification: Likely benign. Last evaluated: 2016-05-17. Review status: criteria provided, single submitter. Criteria: GeneDx Variant Classification (06012015). Collection method: clinical testing. Allele origin: germline. Affected: yes.
Comment: This variant is considered likely benign or benign based on one or more of the following criteria: it is a conservative change, it occurs at a poorly conserved position in the protein, it is predicted to be benign by multiple in silico algorithms, and/or has population frequency not consistent with disease.

NM_000371.4(TTR):c.*9TCC[1]

Gene: TTR (transthyretin; plus strand). Cytogenetic location: 18q12.1.
Variant type: Microsatellite.
Coding change: c.*9TCC[1] on transcript NM_000371.4 (MANE Select); one copy of the 3-base unit TCC starting at c.*9; the reference has two copies in a row; one copy, 3 bases deleted.
Molecular consequence: 3 prime UTR variant.
Genome position (GRCh38, 1-based): chr18:31,598,687-31,598,689, TCC deleted; deleting any 3 consecutive bases within chr18:31,598,683-31,598,689 gives the same sequence; the position shown is the placement nearest the transcript's 3' end. VCF-style (leftmost placement, unchanged base first): chr18-31598682-TCTC-T. GRCh37 (hg19) VCF-style: chr18-29178645-TCTC-T.
Other names: c.*12_*14delTCC (NM_000371.3).
Identifiers: ClinVar variation 421225 (VCV000421225.37), dbSNP rs766223850, ClinGen allele CA16620684.